The following is an entry in ClinVar:

NM_005726.6(TSFM):c.427_430delinsT (p.Leu143_Gly144delinsTer)

Gene: TSFM (Ts translation elongation factor, mitochondrial; plus strand). Cytogenetic location: 12q14.1.
Variant type: Indel.
Coding change: c.427_430delinsT on transcript NM_005726.6 (MANE Select); coding-DNA positions 427 to 430, CTTG replaced by T.
Protein change: p.Leu143_Gly144delinsTer.
Molecular consequence: nonsense.
Genome position (GRCh38, 1-based): chr12:57,787,106-57,787,109, CTTG replaced by T. VCF-style: chr12-57787106-CTTG-T. GRCh37 (hg19) VCF-style: chr12-58180889-CTTG-T.
Other names: c.427_430delinsT, p.Leu143_Gly144delinsTer (NM_001172695.2, NM_001172696.2, NM_001172697.2).
Identifiers: ClinVar variation 4814680 (VCV004814680.1).

ClinVar aggregate classification (germline): Likely pathogenic (1 of 4 stars; one submission).

Conditions:
Fatal mitochondrial disease due to combined oxidative phosphorylation defect type 3. Also called: Combined oxidative phosphorylation deficiency 3; ENCEPHALOMYOPATHY, RESPIRATORY FAILURE, AND LACTIC ACIDOSIS. Identifiers: Orphanet 168566, MedGen C1864840, MONDO:0012512, OMIM 610505.

Submission:

Natera, Inc.
Classification: Likely pathogenic for Combined oxidative phosphorylation deficiency 3. Last evaluated: 2025-08-22. Review status: criteria provided, single submitter. Criteria: Natera Variant Classification Schema (03/2026). Collection method: clinical testing. Allele origin: germline.
Comment: The c.427_430delinsT variant in TSFM is a deletion-insertion (delins) variant predicted to replace one or more nucleotides with a different sequence. This variant is expected to result in nonsense mediated decay, truncation, or a dysfunctional protein product. This variant is rare in the general population with a frequency below the threshold expected for the associated phenotype(s). Given the available evidence, this variant is classified as Likely Pathogenic.